The following is an entry in ClinVar:

ClinVar aggregate classification (germline): Uncertain significance (1 of 4 stars; one submission).

Conditions:
Cystic fibrosis (CF). Also called: MUCOVISCIDOSIS. Identifiers: Orphanet 586, MedGen C0010674, MONDO:0009061, OMIM 219700. Disease mechanism: loss of function.

gnomAD v4.1: 15 of 1,613,492 alleles (0.00093%); highest among the groups gnomAD compares: Non-Finnish European, 0.0013%; no homozygotes.

Submission:

Ambry Genetics
Classification: Uncertain significance for Cystic fibrosis. Last evaluated: 2021-08-13. Review status: criteria provided, single submitter. Criteria: Ambry Variant Classification Scheme 2023. Collection method: clinical testing. Allele origin: germline.
Comment: The p.L1187I variant (also known as c.3559C>A), located in coding exon 22 of the CFTR gene, results from a C to A substitution at nucleotide position 3559. The leucine at codon 1187 is replaced by isoleucine, an amino acid with highly similar properties. This amino acid position is conserved. In addition, the in silico prediction for this alteration is inconclusive. Since supporting evidence is limited at this time, the clinical significance of this alteration remains unclear.

NM_000492.4(CFTR):c.3559C>A (p.Leu1187Ile)

Genes: CFTR (CF transmembrane conductance regulator; plus strand), CFTR-AS2 (CFTR antisense RNA 2; minus strand). Cytogenetic location: 7q31.2.
Variant type: single nucleotide variant.
Coding change: c.3559C>A on transcript NM_000492.4 (MANE Select); coding-DNA position 3559, C replaced by A.
Protein change: p.Leu1187Ile; replaces leucine 1187 with isoleucine.
Molecular consequence: missense variant.
Genome position (GRCh38, 1-based): chr7:117,627,612, C>A. VCF-style: chr7-117627612-C-A. GRCh37 (hg19) VCF-style: chr7-117267666-C-A.
Other names: short protein forms L1187I.
Identifiers: ClinVar variation 1732661 (VCV001732661.2), dbSNP rs763298273, ClinGen allele CA4451497.